The following is an entry in ClinVar:

NM_020843.4(SCAPER):c.806A>G (p.Gln269Arg)

Gene: SCAPER (S-phase cyclin A associated protein in the ER; minus strand). Cytogenetic location: 15q24.3.
Variant type: single nucleotide variant.
Coding change: c.806A>G on transcript NM_020843.4 (MANE Select); coding-DNA position 806, A replaced by G.
Protein change: p.Gln269Arg; replaces glutamine 269 with arginine.
Molecular consequence: missense variant. On other transcripts: non-coding transcript variant (1).
Genome position (GRCh38, 1-based): chr15:76,775,084, T>C on the plus strand (A>G on the coding strand, the complement: SCAPER is on the minus strand). VCF-style: chr15-76775084-T-C. GRCh37 (hg19) VCF-style: chr15-77067425-T-C.
Other names: c.68A>G, p.Gln23Arg (NM_001145923.2); c.806A>G, p.Gln269Arg (NM_001353009.2); c.404A>G, p.Gln135Arg (NM_001353010.2, NM_001353011.2, NM_001353012.2); short protein forms Q135R, Q23R, Q269R.
Identifiers: ClinVar variation 4989011 (VCV004989011.1).

ClinVar aggregate classification (germline): Uncertain significance (1 of 4 stars; one submission).

Conditions:
SCAPER-related disorder. Also called: SCAPER-related condition.

gnomAD v4.1: 11 of 1,613,532 alleles (0.00068%); highest among the groups gnomAD compares: Non-Finnish European, 0.00093%; no homozygotes.

Submission:

PreventionGenetics, part of Exact Sciences
Classification: Uncertain significance for SCAPER-related condition. Last evaluated: 2025-10-24. Review status: criteria provided, single submitter. Criteria: ACMG Guidelines, 2015. Collection method: clinical testing. Allele origin: germline.
Comment: The SCAPER c.806A>G variant is predicted to result in the amino acid substitution p.Gln269Arg. To our knowledge, this variant has not been reported in the literature. This variant is reported in 0.0016% of alleles in individuals of European (Non-Finnish) descent in gnomAD. At this time, the clinical significance of this variant is uncertain due to the absence of conclusive functional and genetic evidence.